The following is an entry in ClinVar:

NM_001170629.2(CHD8):c.3287A>G (p.Asn1096Ser)

Gene: CHD8 (chromodomain helicase DNA binding protein 8; minus strand). Cytogenetic location: 14q11.2.
Variant type: single nucleotide variant.
Coding change: c.3287A>G on transcript NM_001170629.2 (MANE Select); coding-DNA position 3287, A replaced by G.
Protein change: p.Asn1096Ser; replaces asparagine 1096 with serine.
Molecular consequence: missense variant.
Genome position (GRCh38, 1-based): chr14:21,405,229, T>C on the plus strand (A>G on the coding strand, the complement: CHD8 is on the minus strand). VCF-style: chr14-21405229-T-C. GRCh37 (hg19) VCF-style: chr14-21873388-T-C.
Other names: c.2450A>G, p.Asn817Ser (NM_020920.4); short protein forms N1096S, N817S.
Identifiers: ClinVar variation 1809893 (VCV001809893.1), dbSNP rs2501910494, ClinGen allele CA388901871.

ClinVar aggregate classification (germline): Uncertain significance (1 of 4 stars; one submission).

Allele frequency attached by ClinVar (database versions not stated): gnomAD exomes below 0.00001.
gnomAD v4.1: 3 of 1,613,748 alleles (0.00019%); highest among the groups gnomAD compares: Non-Finnish European, 0.00025%; no homozygotes.

Submission:

GeneDx
Classification: Uncertain significance. Last evaluated: 2022-06-27. Review status: criteria provided, single submitter. Criteria: GeneDx Variant Classification Process June 2021. Collection method: clinical testing. Allele origin: germline. Affected: yes.
Comment: Not observed at significant frequency in large population cohorts (gnomAD); In silico analysis supports that this missense variant has a deleterious effect on protein structure/function; Has not been previously published as pathogenic or benign to our knowledge